The following is an entry in ClinVar:

ClinVar aggregate classification (germline): Likely benign. Review status: criteria provided, multiple submitters, no conflicts (2 of 4 stars). 3 submissions from 3 submitters: Likely benign (3). Last evaluated 2026-09-01.

Allele frequency attached by ClinVar (database versions not stated): gnomAD 0.00011 and 0.00028; ESP Exome Variant Server 0.00015; TOPMed 0.00020; 1000 Genomes Project 30x 0.00047; 1000 Genomes Project 0.00060; gnomAD exomes 0.00089; ExAC 0.00095.
gnomAD v4.1: 753 of 1,610,946 alleles (0.047%); highest among the groups gnomAD compares: South Asian, 0.49%; 6 homozygotes.

Submissions (3):

CeGaT Center for Human Genetics Tuebingen
Classification: Likely benign. Last evaluated: 2026-09-01. Review status: criteria provided, single submitter. Criteria: CeGaT Center For Human Genetics Tuebingen Variant Classification Criteria Version 2. Collection method: clinical testing. Allele origin: germline. Affected: yes. Observed: 1 variant allele.
Comment: STAB1: BS2

Labcorp Genetics (formerly Invitae), Labcorp
Classification: Likely benign. Last evaluated: 2017-12-20. Review status: criteria provided, single submitter. Criteria: Invitae Variant Classification Sherloc (09022015). Collection method: clinical testing. Allele origin: germline.

Breakthrough Genomics
Classification: Likely benign. Review status: criteria provided, single submitter. Criteria: ACMG Guidelines, 2015. Collection method: not provided. Allele origin: germline. Inheritance: Unknown mechanism. Affected: yes.

NM_015136.3(STAB1):c.2930C>A (p.Pro977His)

Gene: STAB1 (stabilin 1; plus strand). Cytogenetic location: 3p21.1.
Variant type: single nucleotide variant.
Coding change: c.2930C>A on transcript NM_015136.3 (MANE Select); coding-DNA position 2930, C replaced by A.
Protein change: p.Pro977His; replaces proline 977 with histidine.
Molecular consequence: missense variant.
Genome position (GRCh38, 1-based): chr3:52,512,387, C>A. VCF-style: chr3-52512387-C-A. GRCh37 (hg19) VCF-style: chr3-52546403-C-A.
Other names: short protein forms P977H.
Identifiers: ClinVar variation 720864 (VCV000720864.5), dbSNP rs140050809, ClinGen allele CA2441142.